The following is an entry in ClinVar:

ClinVar aggregate classification (germline): Uncertain significance (1 of 4 stars; one submission).

Conditions:
Retinoblastoma (RB1). Also called: RETINOBLASTOMA, SOMATIC. Identifiers: Orphanet 790, MedGen C0035335, MeSH D012175, MONDO:0008380, OMIM 180200, HP:0009919. Disease mechanism: loss of function. Inheritance: Both sporadic and heritable forms are tested..

Allele frequency attached by ClinVar (database versions not stated): gnomAD exomes below 0.00001.
gnomAD v4.1: 1 of 1,594,756 alleles (0.000063%); highest among the groups gnomAD compares: Non-Finnish European, 0.000086%; no homozygotes.

Submission:

Labcorp Genetics (formerly Invitae), Labcorp
Classification: Uncertain significance for Retinoblastoma. Last evaluated: 2022-12-12. Review status: criteria provided, single submitter. Criteria: Invitae Variant Classification Sherloc (09022015). Collection method: clinical testing. Allele origin: germline.
Comment: This variant has not been reported in the literature in individuals affected with RB1-related conditions. In summary, the available evidence is currently insufficient to determine the role of this variant in disease. Therefore, it has been classified as a Variant of Uncertain Significance. Advanced modeling of protein sequence and biophysical properties (such as structural, functional, and spatial information, amino acid conservation, physicochemical variation, residue mobility, and thermodynamic stability) performed at Invitae indicates that this missense variant is not expected to disrupt RB1 protein function. This variant is not present in population databases (gnomAD no frequency). This sequence change replaces threonine, which is neutral and polar, with alanine, which is neutral and non-polar, at codon 175 of the RB1 protein (p.Thr175Ala).

NM_000321.3(RB1):c.523A>G (p.Thr175Ala)

Gene: RB1 (RB transcriptional corepressor 1; plus strand). Cytogenetic location: 13q14.2.
Variant type: single nucleotide variant.
Coding change: c.523A>G on transcript NM_000321.3 (MANE Select); coding-DNA position 523, A replaced by G.
Protein change: p.Thr175Ala; replaces threonine 175 with alanine.
Molecular consequence: missense variant.
Genome position (GRCh38, 1-based): chr13:48,347,847, A>G. VCF-style: chr13-48347847-A-G. GRCh37 (hg19) VCF-style: chr13-48921983-A-G.
Other names: c.523A>G, p.Thr175Ala (NM_001407165.1, NM_001407166.1); short protein forms T175A.
Identifiers: ClinVar variation 2801769 (VCV002801769.3), dbSNP rs1952511833, ClinGen allele CA388156827.